The following is an entry in ClinVar:

ClinVar aggregate classification (germline): Uncertain significance (1 of 4 stars; one submission).

Conditions:
Inborn genetic diseases. Identifiers: MedGen C0950123, MeSH D030342.

Submission:

Ambry Genetics
Classification: Uncertain significance for Inborn genetic diseases. Last evaluated: 2025-07-18. Review status: criteria provided, single submitter. Criteria: Ambry Variant Classification Scheme 2023. Collection method: clinical testing. Allele origin: germline.
Comment: The p.M1466L variant (also known as c.4396A>T), located in coding exon 1 of the SAMD9L gene, results from an A to T substitution at nucleotide position 4396. The methionine at codon 1466 is replaced by leucine, an amino acid with highly similar properties. This amino acid position is conserved. In addition, this alteration is predicted to be tolerated by in silico analysis. Based on the available evidence, the clinical significance of this variant remains unclear.

NM_152703.5(SAMD9L):c.4396A>T (p.Met1466Leu)

Gene: SAMD9L (sterile alpha motif domain containing 9 like; minus strand). Cytogenetic location: 7q21.2.
Variant type: single nucleotide variant.
Coding change: c.4396A>T on transcript NM_152703.5 (MANE Select); coding-DNA position 4396, A replaced by T.
Protein change: p.Met1466Leu; replaces methionine 1466 with leucine.
Molecular consequence: missense variant.
Genome position (GRCh38, 1-based): chr7:93,131,576, T>A on the plus strand (A>T on the coding strand, the complement: SAMD9L is on the minus strand). VCF-style: chr7-93131576-T-A. GRCh37 (hg19) VCF-style: chr7-92760889-T-A.
Other names: c.4396A>T, p.Met1466Leu (NM_001303496.3, NM_001303497.3, NM_001303498.3 and 5 more transcripts); short protein forms M1466L.
Identifiers: ClinVar variation 4159341 (VCV004159341.1).